The following is an entry in ClinVar:

ClinVar aggregate classification (germline): Uncertain significance. Review status: criteria provided, multiple submitters, no conflicts (2 of 4 stars). 2 submissions from 2 submitters: Uncertain significance (2). Last evaluated 2022-03-04.

Allele frequency attached by ClinVar (database versions not stated): gnomAD 0.00001; gnomAD exomes 0.00001 and 0.00003; ExAC 0.00002; TOPMed 0.00002; ESP Exome Variant Server 0.00008.

Submissions (2):

Labcorp Genetics (formerly Invitae), Labcorp
Classification: Uncertain significance. Last evaluated: 2022-03-04. Review status: criteria provided, single submitter. Criteria: Invitae Variant Classification Sherloc (09022015). Collection method: clinical testing. Allele origin: germline.
Comment: In summary, the available evidence is currently insufficient to determine the role of this variant in disease. Therefore, it has been classified as a Variant of Uncertain Significance. This sequence change replaces threonine, which is neutral and polar, with isoleucine, which is neutral and non-polar, at codon 993 of the ADAMTS13 protein (p.Thr993Ile). This variant is present in population databases (rs139808736, gnomAD 0.005%). This variant has not been reported in the literature in individuals affected with ADAMTS13-related conditions. ClinVar contains an entry for this variant (Variation ID: 1163039). Algorithms developed to predict the effect of missense changes on protein structure and function output the following: SIFT: "Deleterious"; PolyPhen-2: "Benign"; Align-GVGD: "Class C0". The isoleucine amino acid residue is found in multiple mammalian species, which suggests that this missense change does not adversely affect protein function.

Mayo Clinic Laboratories, Mayo Clinic
Classification: Uncertain significance. Last evaluated: 2020-01-14. Review status: criteria provided, single submitter. Criteria: ACMG Guidelines, 2015. Collection method: clinical testing. Allele origin: germline. Observed: 1 variant allele.

NM_139027.6(ADAMTS13):c.2978C>T (p.Thr993Ile)

Gene: ADAMTS13 (ADAM metallopeptidase with thrombospondin type 1 motif 13; plus strand). Cytogenetic location: 9q34.2.
Variant type: single nucleotide variant.
Coding change: c.2978C>T on transcript NM_139027.6 (MANE Select); coding-DNA position 2978, C replaced by T.
Protein change: p.Thr993Ile; replaces threonine 993 with isoleucine.
Molecular consequence: missense variant. On other transcripts: non-coding transcript variant (1).
Genome position (GRCh38, 1-based): chr9:133,449,899, C>T. VCF-style: chr9-133449899-C-T. GRCh37 (hg19) VCF-style: chr9-136315020-C-T.
Other names: c.2978C>T, p.Thr993Ile (NM_139025.5); c.2885C>T, p.Thr962Ile (NM_139026.6); short protein forms T962I, T993I.
Identifiers: ClinVar variation 1163039 (VCV001163039.8), dbSNP rs139808736, ClinGen allele CA200940073.
Genomic context (GRCh38, chr9:133,449,899, plus strand): 5'-GGATCCTGTATTGTGCCCGGGCCCATGGGGAGGACGATGGTGAGGAGATCCTGTTGGACA[C>T]CCAGTGCCAGGGGCTGCCTCGCCCGGAACCCCAGGAGGCCTGCAGCCTGGAGCCCTGCCC-3'
Protein context (NP_620596.2, residues 983-1003): EDDGEEILLD[Thr993Ile]QCQGLPRPEP